The following is an entry in ClinVar:

ClinVar aggregate classification (germline): Uncertain significance. Review status: criteria provided, multiple submitters, no conflicts (2 of 4 stars). 4 submissions from 4 submitters: Uncertain significance (4). Last evaluated 2025-11-14.

Conditions:
PNPO-related disorder. Also called: PNPO-related disorders; PNPO-related condition.
Inborn genetic diseases. Identifiers: MedGen C0950123, MeSH D030342.
Pyridoxal phosphate-responsive seizures (PNPOD). Also called: Pyridoxal 5'-Phosphate (PLP)-Dependent Epilepsy; SEIZURES, PYRIDOXINE-RESISTANT, PLP-SENSITIVE; Pyridoxine-5'-phosphate oxidase deficiency; EPILEPTIC ENCEPHALOPATHY, NEONATAL, PNPO-RELATED; Pyridoxamine 5-Prime-Phosphate Oxidase Deficiency. Identifiers: Orphanet 79096, MedGen C1864723, MONDO:0012407, OMIM 610090. Disease mechanism: loss of function.

Allele frequency attached by ClinVar (database versions not stated): gnomAD 0.00003; gnomAD exomes 0.00004 and 0.00010; TOPMed 0.00006; ExAC 0.00008.
gnomAD v4.1: 29 of 1,613,910 alleles (0.0018%); highest among the groups gnomAD compares: Admixed American, 0.048%; no homozygotes.

Submissions (4):

Ambry Genetics
Classification: Uncertain significance for Inborn genetic diseases. Last evaluated: 2025-11-14. Review status: criteria provided, single submitter. Criteria: Ambry Variant Classification Scheme 2023. Collection method: clinical testing. Allele origin: germline.
Comment: The p.P261L variant (also known as c.782C>T), located in coding exon 7 of the PNPO gene, results from a C to T substitution at nucleotide position 782. The proline at codon 261 is replaced by leucine, an amino acid with similar properties. This amino acid position is highly conserved in available vertebrate species. In addition, this alteration is predicted to be deleterious by in silico analysis. Since supporting evidence is limited at this time, the clinical significance of this alteration remains unclear.

GeneDx
Classification: Uncertain significance. Last evaluated: 2025-07-02. Review status: criteria provided, single submitter. Criteria: GeneDx Variant Classification Process June 2021. Collection method: clinical testing. Allele origin: germline. Affected: yes.
Comment: In silico analysis supports that this missense variant has a deleterious effect on protein structure/function; Has not been previously published as pathogenic or benign to our knowledge

PreventionGenetics, part of Exact Sciences
Classification: Uncertain significance for PNPO-related condition. Last evaluated: 2025-01-14. Review status: criteria provided, single submitter. Criteria: ACMG Guidelines, 2015. Collection method: clinical testing. Allele origin: germline.
Comment: The PNPO c.782C>T variant is predicted to result in the amino acid substitution p.Pro261Leu. To our knowledge, this variant has not been reported in the literature. This variant is reported in 0.068% of alleles in individuals of Latino descent in gnomAD, and although the gnomAD frequency for this variant is higher than that of disease-associated PNPO variants currently documented in the HGMD database, no homozygous individuals are present in gnomAD.  At this time, the clinical significance of this variant is uncertain due to the absence of conclusive functional and genetic evidence.

Labcorp Genetics (formerly Invitae), Labcorp
Classification: Uncertain significance for Pyridoxal phosphate-responsive seizures. Last evaluated: 2022-10-28. Review status: criteria provided, single submitter. Criteria: Invitae Variant Classification Sherloc (09022015). Collection method: clinical testing. Allele origin: germline.
Comment: This sequence change replaces proline, which is neutral and non-polar, with leucine, which is neutral and non-polar, at codon 261 of the PNPO protein (p.Pro261Leu). This variant is present in population databases (rs769125577, gnomAD 0.07%). This variant has not been reported in the literature in individuals affected with PNPO-related conditions. ClinVar contains an entry for this variant (Variation ID: 206455). Advanced modeling of protein sequence and biophysical properties (such as structural, functional, and spatial information, amino acid conservation, physicochemical variation, residue mobility, and thermodynamic stability) performed at Invitae indicates that this missense variant is expected to disrupt PNPO protein function. In summary, the available evidence is currently insufficient to determine the role of this variant in disease. Therefore, it has been classified as a Variant of Uncertain Significance.

NM_018129.4(PNPO):c.782C>T (p.Pro261Leu)

Gene: PNPO (pyridoxamine 5'-phosphate oxidase; plus strand). Cytogenetic location: 17q21.32.
Variant type: single nucleotide variant.
Coding change: c.782C>T on transcript NM_018129.4 (MANE Select); coding-DNA position 782, C replaced by T.
Protein change: p.Pro261Leu; replaces proline 261 with leucine.
Molecular consequence: missense variant.
Genome position (GRCh38, 1-based): chr17:47,946,778, C>T. VCF-style: chr17-47946778-C-T. GRCh37 (hg19) VCF-style: chr17-46024144-C-T.
Other names: p.P261L:CCT>CTT; short protein forms P261L.
Identifiers: ClinVar variation 206455 (VCV000206455.14), dbSNP rs769125577, ClinGen allele CA316574.